The following is an entry in ClinVar:

ClinVar aggregate classification (germline): Uncertain significance (1 of 4 stars; one submission).

Allele frequency attached by ClinVar (database versions not stated): ExAC 0.00001; gnomAD exomes 0.00001.
gnomAD v4.1: 4 of 1,614,082 alleles (0.00025%); highest among the groups gnomAD compares: Non-Finnish European, 0.00034%; no homozygotes.

Submission:

Labcorp Genetics (formerly Invitae), Labcorp
Classification: Uncertain significance. Last evaluated: 2022-03-04. Review status: criteria provided, single submitter. Criteria: Invitae Variant Classification Sherloc (09022015). Collection method: clinical testing. Allele origin: germline.
Comment: This sequence change replaces valine, which is neutral and non-polar, with isoleucine, which is neutral and non-polar, at codon 276 of the NBAS protein (p.Val276Ile). This variant is present in population databases (rs780503740, gnomAD 0.0009%). This variant has not been reported in the literature in individuals affected with NBAS-related conditions. Algorithms developed to predict the effect of missense changes on protein structure and function (SIFT, PolyPhen-2, Align-GVGD) all suggest that this variant is likely to be disruptive. In summary, the available evidence is currently insufficient to determine the role of this variant in disease. Therefore, it has been classified as a Variant of Uncertain Significance.

NM_015909.4(NBAS):c.826G>A (p.Val276Ile)

Gene: NBAS (NBAS subunit of NRZ tethering complex; minus strand). Cytogenetic location: 2p24.3.
Variant type: single nucleotide variant.
Coding change: c.826G>A on transcript NM_015909.4 (MANE Select); coding-DNA position 826, G replaced by A.
Protein change: p.Val276Ile; replaces valine 276 with isoleucine.
Molecular consequence: missense variant. On other transcripts: non-coding transcript variant (1).
Genome position (GRCh38, 1-based): chr2:15,511,271, C>T on the plus strand (G>A on the coding strand, the complement: NBAS is on the minus strand). VCF-style: chr2-15511271-C-T. GRCh37 (hg19) VCF-style: chr2-15651395-C-T.
Other names: short protein forms V276I.
Identifiers: ClinVar variation 1980565 (VCV001980565.1), dbSNP rs780503740, ClinGen allele CA1536902.